The following is an entry in ClinVar:

NM_001854.4(COL11A1):c.3978+6T>G

Gene: COL11A1 (collagen type XI alpha 1 chain; minus strand). Cytogenetic location: 1p21.1.
Variant type: single nucleotide variant.
Coding change: c.3978+6T>G on transcript NM_001854.4 (MANE Select); 6 bases into the intron after coding-DNA position 3978, T replaced by G.
Molecular consequence: intron variant.
Genome position (GRCh38, 1-based): chr1:102,914,346, A>C on the plus strand (T>G on the coding strand, the complement: COL11A1 is on the minus strand). VCF-style: chr1-102914346-A-C. GRCh37 (hg19) VCF-style: chr1-103379902-A-C.
Other names: c.3861+6T>G (NM_001190709.2); c.4014+6T>G (NM_080629.3); c.3630+6T>G (NM_080630.4).
Identifiers: ClinVar variation 4732488 (VCV004732488.1).

ClinVar aggregate classification (germline): Uncertain significance (1 of 4 stars; one submission).

Submission:

Labcorp Genetics (formerly Invitae), Labcorp
Classification: Uncertain significance. Last evaluated: 2026-02-01. Review status: criteria provided, single submitter. Criteria: Invitae Variant Classification Sherloc (09022015). Collection method: clinical testing. Allele origin: germline.
Comment: This sequence change falls in intron 52 of the COL11A1 gene. It does not directly change the encoded amino acid sequence of the COL11A1 protein. It affects a nucleotide within the consensus splice site. This variant is not present in population databases (gnomAD no frequency). This variant has been observed in individual(s) with clinical features of Stickler syndrome (internal data). Variants that disrupt the consensus splice site are a relatively common cause of aberrant splicing (PMID: 17576681, 9536098). Algorithms developed to predict the effect of sequence changes on RNA splicing suggest that this variant may disrupt the consensus splice site. In summary, the available evidence is currently insufficient to determine the role of this variant in disease. Therefore, it has been classified as a Variant of Uncertain Significance.

Literature cited by the submitters: PubMed 17576681; PubMed 9536098.